The following is an entry in ClinVar:

ClinVar aggregate classification (germline): Uncertain significance. Review status: criteria provided, multiple submitters, no conflicts (2 of 4 stars). 2 submissions from 2 submitters: Uncertain significance (2). Last evaluated 2025-02-07.

Allele frequency attached by ClinVar (database versions not stated): ExAC 0.00001; gnomAD exomes 0.00006; TOPMed 0.00006; gnomAD 0.00007.
gnomAD v4.1: 102 of 1,612,924 alleles (0.0063%); highest among the groups gnomAD compares: Non-Finnish European, 0.0082%; no homozygotes.

Submissions (2):

Ambry Genetics
Classification: Uncertain significance. Last evaluated: 2025-02-07. Review status: criteria provided, single submitter. Criteria: Ambry Variant Classification Scheme 2023. Collection method: clinical testing. Allele origin: germline.

CeGaT Center for Human Genetics Tuebingen
Classification: Uncertain significance. Last evaluated: 2024-05-01. Review status: criteria provided, single submitter. Criteria: CeGaT Center For Human Genetics Tuebingen Variant Classification Criteria Version 2. Collection method: clinical testing. Allele origin: germline. Affected: yes. Observed: 1 variant allele.
Comment: VPS50: PM2

NM_017667.4(VPS50):c.2098G>A (p.Glu700Lys)

Gene: VPS50 (VPS50 subunit of EARP/GARPII complex; plus strand). Cytogenetic location: 7q21.3.
Variant type: single nucleotide variant.
Coding change: c.2098G>A on transcript NM_017667.4 (MANE Select); coding-DNA position 2098, G replaced by A.
Protein change: p.Glu700Lys; replaces glutamic acid 700 with lysine.
Molecular consequence: missense variant.
Genome position (GRCh38, 1-based): chr7:93,341,466, G>A. VCF-style: chr7-93341466-G-A. GRCh37 (hg19) VCF-style: chr7-92970778-G-A.
Other names: c.2098G>A (NM_017667.2); c.2008G>A, p.Glu670Lys (NM_001257998.2); short protein forms E670K, E700K.
Identifiers: ClinVar variation 3239244 (VCV003239244.20), dbSNP rs761124862.